The following is an entry in ClinVar:

ClinVar aggregate classification (germline): Conflicting classifications of pathogenicity. Review status: criteria provided, conflicting classifications (1 of 4 stars). 2 submissions from 2 submitters: Uncertain significance (1); Likely benign (1). Last evaluated 2025-04-04.

Conditions:
Familial temporal lobe epilepsy 7. Identifiers: Orphanet 101046, MedGen C4225327, MONDO:0014639, OMIM 616436.
Norman-Roberts syndrome (LIS2). Also called: Lissencephaly 2 (Norman-Roberts type). Identifiers: Orphanet 89844, MedGen C0796089, MONDO:0009760, OMIM 257320.

Allele frequency attached by ClinVar (database versions not stated): gnomAD 0.00001; gnomAD exomes 0.00002 and 0.00005; TOPMed 0.00004; ExAC 0.00005.
gnomAD v4.1: 15 of 1,613,722 alleles (0.00093%); highest among the groups gnomAD compares: Admixed American, 0.025%; no homozygotes.

Submissions (2):

Mayo Clinic Laboratories, Mayo Clinic
Classification: Uncertain significance. Last evaluated: 2025-04-04. Review status: criteria provided, single submitter. Criteria: ACMG Guidelines, 2015. Collection method: clinical testing. Allele origin: germline. Observed: 1 variant allele.
Comment: BP4, PM2_supporting

Labcorp Genetics (formerly Invitae), Labcorp
Classification: Likely benign for Familial temporal lobe epilepsy 7; Norman-Roberts syndrome. Last evaluated: 2025-03-17. Review status: criteria provided, single submitter. Criteria: Invitae Variant Classification Sherloc (09022015). Collection method: clinical testing. Allele origin: germline.

NM_005045.4(RELN):c.5498T>C (p.Ile1833Thr)

Gene: RELN (reelin; minus strand). Cytogenetic location: 7q22.1.
Variant type: single nucleotide variant.
Coding change: c.5498T>C on transcript NM_005045.4 (MANE Select); coding-DNA position 5498, T replaced by C.
Protein change: p.Ile1833Thr; replaces isoleucine 1833 with threonine.
Molecular consequence: missense variant.
Genome position (GRCh38, 1-based): chr7:103,561,563, A>G on the plus strand (T>C on the coding strand, the complement: RELN is on the minus strand). VCF-style: chr7-103561563-A-G. GRCh37 (hg19) VCF-style: chr7-103202010-A-G.
Other names: p.Ile1833Thr; c.5498T>C, p.Ile1833Thr (NM_173054.3); short protein forms I1833T.
Identifiers: ClinVar variation 574891 (VCV000574891.7), dbSNP rs766824018, ClinGen allele CA4421195.